The following is an entry in ClinVar:

NM_003722.5(TP63):c.1852C>T (p.Arg618Trp)

Gene: TP63 (tumor protein p63; plus strand). Cytogenetic location: 3q28.
Variant type: single nucleotide variant.
Coding change: c.1852C>T on transcript NM_003722.5 (MANE Select); coding-DNA position 1852, C replaced by T.
Protein change: p.Arg618Trp; replaces arginine 618 with tryptophan.
Molecular consequence: missense variant. On other transcripts: 3 prime UTR variant (6).
Genome position (GRCh38, 1-based): chr3:189,894,311, C>T. VCF-style: chr3-189894311-C-T. GRCh37 (hg19) VCF-style: chr3-189612100-C-T.
Other names: c.*90C>T (NM_001114978.2, NM_001114981.2); c.1570C>T, p.Arg524Trp (NM_001114980.2); c.*80C>T (NM_001329144.2, NM_001329145.2, NM_001329149.2 and 1 more transcripts); c.1315C>T, p.Arg439Trp (NM_001329146.2); c.1840C>T, p.Arg614Trp (NM_001329148.2); c.1846C>T, p.Arg616Trp (NM_001329964.2); short protein forms R614W, R616W, R618W, R439W, R524W.
Identifiers: ClinVar variation 2777222 (VCV002777222.2), dbSNP rs1455505991, ClinGen allele CA355751338.
Genomic context (GRCh38, chr3:189,894,311, plus strand): 5'-TGGAAGGGCATCCTGGACCACCGGCAGCTCCACGAATTCTCCTCCCCTTCTCATCTCCTG[C>T]GGACCCCAAGCAGTGCCTCTACAGTCAGTGTGGGCTCCAGTGAGACCCGGGGTGAGCGTG-3'
Protein context (NP_003713.3, residues 608-628): HEFSSPSHLL[Arg618Trp]TPSSASTVSV

ClinVar aggregate classification (germline): Uncertain significance (1 of 4 stars; one submission).

Conditions:
TP63-Related Spectrum Disorders.

Allele frequency attached by ClinVar (database versions not stated): gnomAD 0.00001; TOPMed 0.00002.
gnomAD v4.1: 4 of 1,613,764 alleles (0.00025%); highest among the groups gnomAD compares: South Asian, 0.0022%; no homozygotes.

Submission:

Labcorp Genetics (formerly Invitae), Labcorp
Classification: Uncertain significance. Last evaluated: 2023-08-27. Review status: criteria provided, single submitter. Criteria: Invitae Variant Classification Sherloc (09022015). Collection method: clinical testing. Allele origin: germline.
Comment: This sequence change replaces arginine, which is basic and polar, with tryptophan, which is neutral and slightly polar, at codon 618 of the TP63 protein (p.Arg618Trp). This variant is present in population databases (no rsID available, gnomAD 0.004%). This variant has not been reported in the literature in individuals affected with TP63-related conditions. Advanced modeling of protein sequence and biophysical properties (such as structural, functional, and spatial information, amino acid conservation, physicochemical variation, residue mobility, and thermodynamic stability) has been performed at Invitae for this missense variant, however the output from this modeling did not meet the statistical confidence thresholds required to predict the impact of this variant on TP63 protein function. In summary, the available evidence is currently insufficient to determine the role of this variant in disease. Therefore, it has been classified as a Variant of Uncertain Significance.